The following is an entry in ClinVar:

ClinVar aggregate classification (germline): Uncertain significance (1 of 4 stars; one submission).

Submission:

GeneDx
Classification: Uncertain significance. Last evaluated: 2021-07-02. Review status: criteria provided, single submitter. Criteria: GeneDx Variant Classification Process June 2021. Collection method: clinical testing. Allele origin: germline. Affected: yes.
Comment: Has not been previously published as pathogenic or benign to our knowledge; Not observed at significant frequency in large population cohorts (Lek et al., 2016); In silico analysis supports a deleterious effect on protein structure/function; This variant is associated with the following publications: (PMID: 27535533, 29493581)

NM_005633.4(SOS1):c.2089_2097delinsTTAGAGCAA (p.Val697_His699delinsLeuGluGln)

Gene: SOS1 (SOS Ras/Rac guanine nucleotide exchange factor 1; minus strand). Cytogenetic location: 2p22.1.
Variant type: Indel.
Coding change: c.2089_2097delinsTTAGAGCAA on transcript NM_005633.4 (MANE Select); coding-DNA positions 2089 to 2097, GTAGAGCAC replaced by TTAGAGCAA.
Protein change: p.Val697_His699delinsLeuGluGln.
Molecular consequence: missense variant.
Genome position (GRCh38, 1-based): chr2:39,013,530-39,013,538, GTGCTCTAC replaced by TTGCTCTAA on the plus strand (GTAGAGCAC replaced by TTAGAGCAA on the coding strand, the reverse complement: SOS1 is on the minus strand). VCF-style: chr2-39013530-GTGCTCTAC-TTGCTCTAA. GRCh37 (hg19) VCF-style: chr2-39240671-GTGCTCTAC-TTGCTCTAA.
Other names: c.2068_2076delinsTTAGAGCAA, p.Val690_His692delinsLeuGluGln (NM_001382394.1); c.2089_2097delinsTTAGAGCAA, p.Val697_His699delinsLeuGluGln (NM_001382395.1).
Identifiers: ClinVar variation 1196996 (VCV001196996.2), dbSNP rs2124517603, ClinGen allele CA2499215941.